The following is an entry in ClinVar:

NM_000257.4(MYH7):c.3973-12delinsCCC

Gene: MYH7 (myosin heavy chain 7; minus strand). Cytogenetic location: 14q11.2.
Variant type: Indel.
Coding change: c.3973-12delinsCCC on transcript NM_000257.4 (MANE Select); 12 bases into the intron before coding-DNA position 3973, A replaced by CCC.
Molecular consequence: intron variant.
Genome position (GRCh38, 1-based): chr14:23,418,418, T replaced by GGG on the plus strand (A replaced by CCC on the coding strand, the reverse complement: MYH7 is on the minus strand). VCF-style: chr14-23418418-T-GGG. GRCh37 (hg19) VCF-style: chr14-23887627-T-GGG.
Other names: c.3973-12delinsCCC (NM_001407004.1).
Identifiers: ClinVar variation 2773900 (VCV002773900.2), dbSNP rs2502257312, ClinGen allele CA2697553850.
Genomic context (GRCh38, chr14:23,418,418, plus strand): 5'-CGCAGTCATGCCGGGCCGACTGCAGTGCGTGGGCCAGGGCGTTCTTCGCCTGGGGAGGGG[T>GGG]GGGCACCAGGAGGTGGGTTCAGCTTTCTCCATAAAGCAACCCCACCCTTGCCCTTCTCCT-3'

ClinVar aggregate classification (germline): Uncertain significance (1 of 4 stars; one submission).

Conditions:
Cardiomyopathy (CMYO). Also called: Cardiomyopathies. Identifiers: Orphanet 167848, MedGen C0878544, MONDO:0004994, HP:0001638. Inheritance: Various modes of inheritance.

Submission:

Color Diagnostics, LLC DBA Color Health
Classification: Uncertain significance for Cardiomyopathy. Last evaluated: 2021-09-20. Review status: criteria provided, single submitter. Criteria: ACMG Guidelines, 2015. Collection method: clinical testing. Allele origin: germline.
Comment: This variant replaces one nucleotide in intron 29 of the MYH7 gene with three new nucleotides. To our knowledge, functional studies have not been reported for this variant. This variant has not been reported in individuals affected with cardiovascular disorders in the literature. This variant has not been identified in the general population by the Genome Aggregation Database (gnomAD). The available evidence is insufficient to determine the role of this variant in disease conclusively. Therefore, this variant is classified as a Variant of Uncertain Significance.